The following is an entry in ClinVar:

NM_147127.5(EVC2):c.205del (p.Ala69fs)

Gene: EVC2 (EvC ciliary complex subunit 2; minus strand). Cytogenetic location: 4p16.2.
Variant type: Deletion.
Coding change: c.205del on transcript NM_147127.5 (MANE Select); coding-DNA position 205, one base deleted (G; older notation c.205delG).
Protein change: p.Ala69fs; shifts the reading frame from alanine 69.
Molecular consequence: frameshift variant. On other transcripts: intron variant (1).
Genome position (GRCh38, 1-based): chr4:5,708,309, C deleted on the plus strand (G on the coding strand, the reverse complement: EVC2 is on the minus strand); the first of 4 consecutive C bases (chr4:5,708,309-5,708,312); deleting any one gives the same sequence. VCF-style (leftmost placement, unchanged base first): chr4-5708308-GC-G. GRCh37 (hg19) VCF-style: chr4-5710035-GC-G.
Other names: c.-13+520del (NM_001166136.2); short protein forms A69fs.
Identifiers: ClinVar variation 1409907 (VCV001409907.10), dbSNP rs1400121444, ClinGen allele CA549402219.
Genomic context (GRCh38, chr4:5,708,308, plus strand): 5'-TACAGTCAGACCGGAGCCTGGGGTCGGGCCCTCCTTACCTGCGTGCTGCTCTCGGGCCCC[GC>G]CCCGCTCCGCCCCGGAGGGATCCTCAGGCCGGGCCCAGACCTAGGAGCCACCTGGGGATC-3'

ClinVar aggregate classification (germline): Pathogenic/Likely pathogenic. Review status: criteria provided, multiple submitters, no conflicts (2 of 4 stars). 2 submissions from 2 submitters: Pathogenic (1); Likely pathogenic (1). Last evaluated 2024-02-22.

Conditions:
Curry-Hall syndrome (WAD). Also called: WEYERS ACRODENTAL DYSOSTOSIS. Identifiers: Orphanet 952, MedGen C0457013, MONDO:0008673, OMIM 193530.
Ellis-van Creveld syndrome (EVC). Also called: Chondroectodermal dysplasia; MESOECTODERMAL DYSPLASIA. Identifiers: Orphanet 289, MedGen C0013903, MONDO:0009162, OMIM 225500.

Submissions (2):

Labcorp Genetics (formerly Invitae), Labcorp
Classification: Pathogenic for Curry-Hall syndrome; Ellis-van Creveld syndrome. Last evaluated: 2024-02-22. Review status: criteria provided, single submitter. Criteria: Invitae Variant Classification Sherloc (09022015). Collection method: clinical testing. Allele origin: germline.
Comment: This sequence change creates a premature translational stop signal (p.Ala69Argfs*13) in the EVC2 gene. It is expected to result in an absent or disrupted protein product. Loss-of-function variants in EVC2 are known to be pathogenic (PMID: 17024374, 19810119, 19876929). The frequency data for this variant in the population databases is considered unreliable, as metrics indicate poor data quality at this position in the gnomAD database. This variant has not been reported in the literature in individuals affected with EVC2-related conditions. ClinVar contains an entry for this variant (Variation ID: 1409907). For these reasons, this variant has been classified as Pathogenic.

Juno Genomics, Hangzhou Juno Genomics, Inc
Classification: Likely pathogenic for Curry-Hall syndrome; Ellis-van Creveld syndrome. Review status: criteria provided, single submitter. Criteria: ACMG Guidelines, 2015. Collection method: clinical testing. Allele origin: germline.
Comment: Absent from controls (or at extremely low frequency if recessive) in Genome Aggregation Database.;Null variant in a gene where loss of function (LOF) is a known mechanism of disease.

Literature cited by the submitters: PubMed 17024374 (cited by Labcorp Genetics (formerly Invitae), Labcorp); PubMed 19810119 (cited by Labcorp Genetics (formerly Invitae), Labcorp); PubMed 19876929 (cited by Labcorp Genetics (formerly Invitae), Labcorp).